The following is an entry in ClinVar:

NM_014915.3(ANKRD26):c.3172A>G (p.Asn1058Asp)

Gene: ANKRD26 (ankyrin repeat domain 26; minus strand). Cytogenetic location: 10p12.1.
Variant type: single nucleotide variant.
Coding change: c.3172A>G on transcript NM_014915.3 (MANE Select); coding-DNA position 3172, A replaced by G.
Protein change: p.Asn1058Asp; replaces asparagine 1058 with aspartic acid.
Molecular consequence: missense variant.
Genome position (GRCh38, 1-based): chr10:27,035,278, T>C on the plus strand (A>G on the coding strand, the complement: ANKRD26 is on the minus strand). VCF-style: chr10-27035278-T-C. GRCh37 (hg19) VCF-style: chr10-27324207-T-C.
Other names: p.Asn1058Asp; c.3169A>G, p.Asn1057Asp (NM_001256053.2); short protein forms N1058D, N1057D.
Identifiers: ClinVar variation 2883893 (VCV002883893.5), dbSNP rs1300377582, ClinGen allele CA376363871.

ClinVar aggregate classification (germline): Uncertain significance. Review status: criteria provided, multiple submitters, no conflicts (2 of 4 stars). 3 submissions from 3 submitters: Uncertain significance (3). Last evaluated 2025-10-13.

Conditions:
Inborn genetic diseases. Identifiers: MedGen C0950123, MeSH D030342.

Allele frequency attached by ClinVar (database versions not stated): gnomAD exomes below 0.00001.
gnomAD v4.1: 2 of 1,613,892 alleles (0.00012%); highest among the groups gnomAD compares: Non-Finnish European, 0.00017%; no homozygotes.

Submissions (3):

Mayo Clinic Laboratories, Mayo Clinic
Classification: Uncertain significance. Last evaluated: 2025-10-13. Review status: criteria provided, single submitter. Criteria: ACMG Guidelines, 2015. Collection method: clinical testing. Allele origin: germline. Observed: 1 variant allele.
Comment: BP4_moderate, PM2_supporting

Ambry Genetics
Classification: Uncertain significance for Inborn genetic diseases. Last evaluated: 2024-11-21. Review status: criteria provided, single submitter. Criteria: Ambry Variant Classification Scheme 2023. Collection method: clinical testing. Allele origin: germline.
Comment: The p.N1058D variant (also known as c.3172A>G), located in coding exon 24 of the ANKRD26 gene, results from an A to G substitution at nucleotide position 3172. The asparagine at codon 1058 is replaced by aspartic acid, an amino acid with highly similar properties. This amino acid position is conserved. In addition, this alteration is predicted to be tolerated by in silico analysis. Based on the available evidence, the clinical significance of this variant remains unclear.

Labcorp Genetics (formerly Invitae), Labcorp
Classification: Uncertain significance. Last evaluated: 2023-11-20. Review status: criteria provided, single submitter. Criteria: Invitae Variant Classification Sherloc (09022015). Collection method: clinical testing. Allele origin: germline.
Comment: This sequence change replaces asparagine, which is neutral and polar, with aspartic acid, which is acidic and polar, at codon 1058 of the ANKRD26 protein (p.Asn1058Asp). This variant is present in population databases (no rsID available, gnomAD 0.0009%). This variant has not been reported in the literature in individuals affected with ANKRD26-related conditions. An algorithm developed to predict the effect of missense changes on protein structure and function (PolyPhen-2) suggests that this variant is likely to be disruptive. In summary, the available evidence is currently insufficient to determine the role of this variant in disease. Therefore, it has been classified as a Variant of Uncertain Significance.